The following is an entry in ClinVar:

NM_001367949.2(FAT3):c.11658+7A>C

Gene: FAT3 (FAT atypical cadherin 3; plus strand). Cytogenetic location: 11q14.3.
Variant type: single nucleotide variant.
Coding change: c.11658+7A>C on transcript NM_001367949.2 (MANE Select); 7 bases into the intron after coding-DNA position 11658, A replaced by C.
Molecular consequence: intron variant.
Genome position (GRCh38, 1-based): chr11:92,859,329, A>C. VCF-style: chr11-92859329-A-C. GRCh37 (hg19) VCF-style: chr11-92592495-A-C.
Other names: c.11658+7A>C (NM_001008781.3).
Identifiers: ClinVar variation 2642285 (VCV002642285.24), dbSNP rs151073166, ClinGen allele CA6228388.

ClinVar aggregate classification (germline): Likely benign (1 of 4 stars; one submission).

Allele frequency attached by ClinVar (database versions not stated): ESP Exome Variant Server 0.00008; TOPMed 0.00019; 1000 Genomes Project 0.00120; 1000 Genomes Project 30x 0.00125; gnomAD 0.00127.
gnomAD v4.1: 1,393 of 1,578,258 alleles (0.088%); highest among the groups gnomAD compares: East Asian, 0.61%; 8 homozygotes.

Submission:

CeGaT Center for Human Genetics Tuebingen
Classification: Likely benign. Last evaluated: 2022-09-01. Review status: criteria provided, single submitter. Criteria: CeGaT Center For Human Genetics Tuebingen Variant Classification Criteria Version 2. Collection method: clinical testing. Allele origin: germline. Affected: yes. Observed: 1 variant allele.
Comment: FAT3: BP4